The following is an entry in ClinVar:

ClinVar aggregate classification (germline): Conflicting classifications of pathogenicity. Review status: criteria provided, conflicting classifications (1 of 4 stars). 4 submissions from 4 submitters: Likely pathogenic (1); Uncertain significance (3). Last evaluated 2025-09-13.

Conditions:
Familial cancer of breast. Also called: Hereditary breast cancer; hereditary breast carcinoma; BREAST CANCER, FAMILIAL. Identifiers: Orphanet 227535, MedGen C0346153, MONDO:0016419, OMIM 114480. Disease mechanism: loss of function.
Fanconi anemia complementation group J. Also called: BRIP1-Related Fanconi Anemia. Identifiers: Orphanet 84, MedGen C1836860, MONDO:0012187, OMIM 609054.
Hereditary cancer-predisposing syndrome. Also called: Hereditary Cancer Syndrome; Neoplastic Syndromes, Hereditary; Hereditary neoplastic syndrome; Tumor predisposition. Identifiers: Orphanet 140162, MedGen C0027672, MeSH D009386, MONDO:0015356.

Allele frequency attached by ClinVar (database versions not stated): TOPMed below 0.00001.

Submissions (4):

Labcorp Genetics (formerly Invitae), Labcorp
Classification: Uncertain significance for Familial cancer of breast; Fanconi anemia complementation group J. Last evaluated: 2025-09-13. Review status: criteria provided, single submitter. Criteria: Invitae Variant Classification Sherloc (09022015). Collection method: clinical testing. Allele origin: germline.
Comment: This sequence change creates a premature translational stop signal (p.Ile1079delinsThrLeuPheHisHis*) in the BRIP1 gene. While this is not anticipated to result in nonsense mediated decay, it is expected to disrupt the last 171 amino acid(s) of the BRIP1 protein. This variant is not present in population databases (gnomAD no frequency). This variant has not been reported in the literature in individuals affected with BRIP1-related conditions. ClinVar contains an entry for this variant (Variation ID: 823225). In summary, the available evidence is currently insufficient to determine the role of this variant in disease. Therefore, it has been classified as a Variant of Uncertain Significance.

St. Jude Molecular Pathology, St. Jude Children's Research Hospital
Classification: Uncertain significance for Fanconi anemia complementation group J. Last evaluated: 2025-09-11. Review status: criteria provided, single submitter. Criteria: St. Jude Assertion Criteria 2020. Collection method: clinical testing. Allele origin: germline.
Comment: The BRIP1 c.3216_3235dup (p.Ile1079ThrfsTer6) change duplicates twenty nucleotides in exon 20 of BRIP1 to cause a frameshift of the protein coding sequence and the creation of a premature stop codon after 6 new amino acids. This variant is not predicted to result in nonsense mediated decay and the function of the truncated region with respect to disease is uncertain. This variant has not been reported in the literature in individuals with BRIP1-related disease. This variant is absent in gnomAD v2.1.1. While this variant currently meets criteria to be classified as of uncertain significance, the Bayesian formulation of the ACMG/AMP guidelines (PMID: 29300386, 32720330) indicates that this variant has an overall posterior probability (PP) of pathogenicity of 0.812 (Uncertain: 0.10 ≤ PP ≤ 0.90). This result does not exclude that possibility that the variant is disease-causing, and additional evidence may allow for re-classification as likely pathogenic (0.99 ≥ PP > 0.90). In summary, the evidence currently available is insufficient to determine the clinical significance of this variant. It has therefore been classified as of uncertain significance.

Women's Health and Genetics/Laboratory Corporation of America, LabCorp
Classification: Likely pathogenic for Fanconi anemia complementation group J. Last evaluated: 2025-06-06. Review status: criteria provided, single submitter. Criteria: LabCorp Variant Classification Summary - May 2015. Collection method: clinical testing. Allele origin: germline.
Comment: Variant summary: BRIP1 c.3216_3235dup20 (p.Ile1079ThrfsX6) results in a premature termination codon, predicted to cause a truncation in the last exon of the encoded protein. However, nonsense mediated decay is not expected to occur. The variant was absent in 251272 control chromosomes (gnomAD). To our knowledge, no occurrence of c.3216_3235dup20 in individuals affected with Fanconi Anemia Complementation Group J and no experimental evidence demonstrating its impact on protein function have been reported. Although the specific effects of the variant were not tested, studies have shown that an intact C-terminal region of the BRIP1 protein (disrupted by the variant) is critical for protein function (PMID: 20159562, 21127055). ClinVar contains an entry for this variant (Variation ID: 823225). Based on the evidence outlined above, the variant was classified as likely pathogenic.

Ambry Genetics
Classification: Uncertain significance for Hereditary cancer-predisposing syndrome. Last evaluated: 2025-04-28. Review status: criteria provided, single submitter. Criteria: Ambry Variant Classification Scheme 2023. Collection method: clinical testing. Allele origin: germline.
Comment: The c.3216_3235dup20 variant, located in coding exon 19 of the BRIP1 gene, results from a duplication of CATTATTTCATCATTAAAGA at nucleotide position 3216, causing a translational frameshift with a predicted alternate stop codon (p.I1079Tfs*6). This alteration occurs at the 3' terminus of BRIP1 gene, is not expected to trigger nonsense-mediated mRNA decay, and only impacts the last 170 amino acids of the protein. The exact functional impact of these removed amino acids is unknown. While the C-terminal region of the BRIP1 protein has been shown by structural, biochemical, and mutational analysis to be relevant for some aspects of BRIP1 protein function (Gong Z et al. Mol. Cell, 2010 Feb;37:438-46; Leung CC et al. J. Biol. Chem. 2011 Feb; 286(6):4292-301; Xie J et al. PLoS Genet. 2012 Jul; 8(7):e1002786), functional studies have shown that truncations in the 3' terminus of BRIP1 display normal function in response to intra-strand cross-linking agents (Calvo JA et al. Mol Cancer Res, 2021 Jun;19:1015-1025). In addition, 3' truncations in BRIP1 occurring upstream of this variant have been detected in the homozygous or compound heterozygous state in individuals with no reported features of BRIP1-related Fanconi Anemia (FA-J) (Ambry internal data). Based on the available evidence, the clinical significance of this variant remains unclear.

Literature cited by the submitters: PubMed 20068231 (cited by Ambry Genetics); PubMed 20159562 (cited by Ambry Genetics); PubMed 21127055 (cited by Ambry Genetics); PubMed 22792074 (cited by Ambry Genetics).

NM_032043.3(BRIP1):c.3216_3235dup (p.Ile1079delinsThrLeuPheHisHisTer)

Gene: BRIP1 (BRCA1 interacting DNA helicase 1; minus strand). Cytogenetic location: 17q23.2.
Variant type: Duplication.
Coding change: c.3216_3235dup on transcript NM_032043.3 (MANE Select); coding-DNA positions 3216 to 3235, 20 bases duplicated (CATTATTTCATCATTAAAGA).
Protein change: p.Ile1079delinsThrLeuPheHisHisTer.
Molecular consequence: nonsense.
Genome position (GRCh38, 1-based): chr17:61,683,811-61,683,830, TCTTTAATGATGAAATAATG duplicated on the plus strand (CATTATTTCATCATTAAAGA on the coding strand, the reverse complement: BRIP1 is on the minus strand). VCF-style (leftmost placement, unchanged base first): chr17-61683810-A-ATCTTTAATGATGAAATAATG. GRCh37 (hg19) VCF-style: chr17-59761171-A-ATCTTTAATGATGAAATAATG.
Other names: c.3216_3235dup20 (NM_032043.3); c.3216_3235dup (NM_032043.2).
Identifiers: ClinVar variation 823225 (VCV000823225.20), dbSNP rs1603275367, ClinGen allele CA915950687.
Genomic context (GRCh38, chr17:61,683,810, plus strand): 5'-AGGGCTTCTTCAGAACAGAGCGGATGTTCAGAATGATTTTTTCTAGTAAGGGTGGCATCA[A>ATCTTTAATGATGAAATAATG]TCTTTAATGATGAAATAATGGTTTCTGATTGAGGGCATGATCCAAACGATGTGTTTACTG-3'